The following is an entry in ClinVar:

NM_001378120.1(MBD5):c.2305G>A (p.Val769Ile)

Gene: MBD5 (methyl-CpG binding domain protein 5; plus strand). Cytogenetic location: 2q23.1.
Variant type: single nucleotide variant.
Coding change: c.2305G>A on transcript NM_001378120.1 (MANE Select); coding-DNA position 2305, G replaced by A.
Protein change: p.Val769Ile; replaces valine 769 with isoleucine.
Molecular consequence: missense variant.
Genome position (GRCh38, 1-based): chr2:148,470,248, G>A. VCF-style: chr2-148470248-G-A. GRCh37 (hg19) VCF-style: chr2-149227817-G-A.
Other names: c.2305G>A, p.Val769Ile (NM_018328.5); short protein forms V769I.
Identifiers: ClinVar variation 2433663 (VCV002433663.8), dbSNP rs375333284, ClinGen allele CA1900120.
Genomic context (GRCh38, chr2:148,470,248, plus strand): 5'-CTTCAGAACATACCTTTAAGAGGGGAAGCCGTGCACTGCCACAATGCAAACACTAACTTT[G>A]TTCACAGTAACAGTCCAGTCCCCAACCACCATCTTGCAGGTTTAATAAATCAGATTCAGG-3'
Protein context (NP_001365049.1, residues 759-779): VHCHNANTNF[Val769Ile]HSNSPVPNHH

ClinVar aggregate classification (germline): Conflicting classifications of pathogenicity. Review status: criteria provided, conflicting classifications (1 of 4 stars). 4 submissions from 4 submitters: Uncertain significance (3); Likely benign (1). Last evaluated 2025-07-23.

Conditions:
MBD5-related disorder. Also called: MBD5-related condition.
Intellectual developmental disorder, autosomal dominant 1. Also called: Intellectual disability, autosomal dominant 1; MBD5 Haploinsufficiency. Identifiers: Orphanet 228402, MedGen C1969562, MONDO:0007974, OMIM 156200.
Inborn genetic diseases. Identifiers: MedGen C0950123, MeSH D030342.

Allele frequency attached by ClinVar (database versions not stated): TOPMed 0.00002; ESP Exome Variant Server 0.00008.
gnomAD v4.1: 30 of 1,613,822 alleles (0.0019%); highest among the groups gnomAD compares: Non-Finnish European, 0.0024%; no homozygotes.

Submissions (4):

Labcorp Genetics (formerly Invitae), Labcorp
Classification: Uncertain significance for Intellectual developmental disorder, autosomal dominant 1. Last evaluated: 2025-07-23. Review status: criteria provided, single submitter. Criteria: Invitae Variant Classification Sherloc (09022015). Collection method: clinical testing. Allele origin: germline.
Comment: This sequence change replaces valine, which is neutral and non-polar, with isoleucine, which is neutral and non-polar, at codon 769 of the MBD5 protein (p.Val769Ile). This variant is present in population databases (rs375333284, gnomAD 0.004%). This variant has not been reported in the literature in individuals affected with MBD5-related conditions. ClinVar contains an entry for this variant (Variation ID: 2433663). Invitae Evidence Modeling of protein sequence and biophysical properties (such as structural, functional, and spatial information, amino acid conservation, physicochemical variation, residue mobility, and thermodynamic stability) indicates that this missense variant is not expected to disrupt MBD5 protein function with a negative predictive value of 80%. In summary, the available evidence is currently insufficient to determine the role of this variant in disease. Therefore, it has been classified as a Variant of Uncertain Significance.

Ambry Genetics
Classification: Likely benign for Inborn genetic diseases. Last evaluated: 2023-10-05. Review status: criteria provided, single submitter. Criteria: Ambry Variant Classification Scheme 2023. Collection method: clinical testing. Allele origin: germline.

Revvity Omics, Revvity
Classification: Uncertain significance. Last evaluated: 2023-03-07. Review status: criteria provided, single submitter. Criteria: ACMG Guidelines, 2015. Collection method: clinical testing. Allele origin: germline.

PreventionGenetics, part of Exact Sciences
Classification: Uncertain significance for MBD5-related condition. Last evaluated: 2023-01-03. Review status: criteria provided, single submitter. Criteria: ACMG Guidelines, 2015. Collection method: clinical testing. Allele origin: germline.
Comment: The MBD5 c.2305G>A variant is predicted to result in the amino acid substitution p.Val769Ile. To our knowledge, this variant has not been reported in the literature. This variant is reported in 0.0044% of alleles in individuals of European (Non-Finnish) descent in gnomAD. At this time, the clinical significance of this variant is uncertain due to the absence of conclusive functional and genetic evidence.